The following is an entry in ClinVar:

NM_032806.6(POMGNT2):c.25G>A (p.Ala9Thr)

Gene: POMGNT2 (protein O-linked mannose N-acetylglucosaminyltransferase 2 (beta 1,4-); minus strand). Cytogenetic location: 3p22.1.
Variant type: single nucleotide variant.
Coding change: c.25G>A on transcript NM_032806.6 (MANE Select); coding-DNA position 25, G replaced by A.
Protein change: p.Ala9Thr; replaces alanine 9 with threonine.
Molecular consequence: missense variant.
Genome position (GRCh38, 1-based): chr3:43,081,407, C>T on the plus strand (G>A on the coding strand, the complement: POMGNT2 is on the minus strand). VCF-style: chr3-43081407-C-T. GRCh37 (hg19) VCF-style: chr3-43122899-C-T.
Other names: short protein forms A9T.
Identifiers: ClinVar variation 660947 (VCV000660947.3), dbSNP rs761633368, ClinGen allele CA2340175.

ClinVar aggregate classification (germline): Uncertain significance (1 of 4 stars; one submission).

Conditions:
Muscular dystrophy-dystroglycanopathy (congenital with brain and eye anomalies), type a, 8 (MDDGA8). Also called: WALKER-WARBURG SYNDROME OR MUSCLE-EYE-BRAIN DISEASE, GTDC2-RELATED. Identifiers: Orphanet 899, MedGen C3553813, MONDO:0013904, OMIM 614830.

Allele frequency attached by ClinVar (database versions not stated): TOPMed below 0.00001; gnomAD exomes 0.00002 and 0.00004; ExAC 0.00005.
gnomAD v4.1: 32 of 1,587,118 alleles (0.002%); highest among the groups gnomAD compares: South Asian, 0.021%; no homozygotes.

Submission:

Labcorp Genetics (formerly Invitae), Labcorp
Classification: Uncertain significance for Muscular dystrophy-dystroglycanopathy (congenital with brain and eye anomalies), type a, 8. Last evaluated: 2022-08-16. Review status: criteria provided, single submitter. Criteria: Invitae Variant Classification Sherloc (09022015). Collection method: clinical testing. Allele origin: germline.
Comment: This sequence change replaces alanine, which is neutral and non-polar, with threonine, which is neutral and polar, at codon 9 of the POMGNT2 protein (p.Ala9Thr). This variant is present in population databases (rs761633368, gnomAD 0.02%). This variant has not been reported in the literature in individuals affected with POMGNT2-related conditions. ClinVar contains an entry for this variant (Variation ID: 660947). Algorithms developed to predict the effect of missense changes on protein structure and function are either unavailable or do not agree on the potential impact of this missense change (SIFT: "Deleterious"; PolyPhen-2: "Not Available"; Align-GVGD: "Class C0"). In summary, the available evidence is currently insufficient to determine the role of this variant in disease. Therefore, it has been classified as a Variant of Uncertain Significance.